The following is an entry in ClinVar:

ClinVar aggregate classification (germline): Uncertain significance. Review status: criteria provided, multiple submitters, no conflicts (2 of 4 stars). 4 submissions from 4 submitters: Uncertain significance (4). Last evaluated 2026-01-19.

Conditions:
Cardiovascular phenotype. Identifiers: MedGen CN230736.
Cardiomyopathy (CMYO). Also called: Cardiomyopathies. Identifiers: Orphanet 167848, MedGen C0878544, MONDO:0004994, HP:0001638. Inheritance: Various modes of inheritance.
Arrhythmogenic right ventricular cardiomyopathy (ARVD). Also called: Cardiomyopathy, ARVC; Arrhythmogenic right ventricular dysplasia; Arrhythmogenic cardiomyopathy; Arrhythmogenic Right Ventricular Cardiomyopathy (ARVC). Identifiers: Orphanet 247, MedGen C0349788, MeSH D019571, MONDO:0016587. Disease mechanism: loss of function. Inheritance: Various modes of inheritance.
Arrhythmogenic right ventricular dysplasia 9 (ARVD9). Also called: Arrhythmogenic Right Ventricular Dysplasia/Cardiomyopathy 9; ARRHYTHMOGENIC RIGHT VENTRICULAR DYSPLASIA, FAMILIAL, 9. Identifiers: MedGen C1836906, MONDO:0012180, OMIM 609040.

Allele frequency attached by ClinVar (database versions not stated): gnomAD 0.00001; gnomAD exomes 0.00002; ExAC 0.00004; 1000 Genomes Project 30x 0.00016; 1000 Genomes Project 0.00020.
gnomAD v4.1: 30 of 1,613,206 alleles (0.0019%); highest among the groups gnomAD compares: South Asian, 0.031%; no homozygotes.

Submissions (4):

Labcorp Genetics (formerly Invitae), Labcorp
Classification: Uncertain significance for Arrhythmogenic right ventricular dysplasia 9. Last evaluated: 2026-01-19. Review status: criteria provided, single submitter. Criteria: Invitae Variant Classification Sherloc (09022015). Collection method: clinical testing. Allele origin: germline.
Comment: This sequence change replaces proline, which is neutral and non-polar, with alanine, which is neutral and non-polar, at codon 539 of the PKP2 protein (p.Pro539Ala). This variant is present in population databases (rs543325231, gnomAD 0.02%). This variant has not been reported in the literature in individuals affected with PKP2-related conditions. ClinVar contains an entry for this variant (Variation ID: 406542). An algorithm developed to predict the effect of missense changes on protein structure and function (PolyPhen-2) suggests that this variant is likely to be disruptive. In summary, the available evidence is currently insufficient to determine the role of this variant in disease. Therefore, it has been classified as a Variant of Uncertain Significance.

Ambry Genetics
Classification: Uncertain significance for Cardiovascular phenotype. Last evaluated: 2024-10-28. Review status: criteria provided, single submitter. Criteria: Ambry Variant Classification Scheme 2023. Collection method: clinical testing. Allele origin: germline.
Comment: The p.P539A variant (also known as c.1615C>G), located in coding exon 7 of the PKP2 gene, results from a C to G substitution at nucleotide position 1615. The proline at codon 539 is replaced by alanine, an amino acid with highly similar properties. This amino acid position is conserved. In addition, this alteration is predicted to be tolerated by in silico analysis. Based on the available evidence, the clinical significance of this variant remains unclear.

All of Us Research Program, National Institutes of Health
Classification: Uncertain significance for Arrhythmogenic right ventricular cardiomyopathy. Last evaluated: 2024-04-16. Review status: criteria provided, single submitter. Criteria: ACMG Guidelines, 2015. Collection method: clinical testing. Allele origin: germline. Inheritance: Autosomal dominant inheritance. Observed: 2 variant alleles, 2 heterozygotes.
Comment: This missense variant replaces proline with alanine at codon 539 of the PKP2 protein. Computational prediction suggests that this variant may not impact protein structure and function (internally defined REVEL score threshold <= 0.5, PMID: 27666373). To our knowledge, functional studies have not been reported for this variant. This variant has not been reported in individuals affected with cardiovascular disorders in the literature. This variant has been identified in 6/251374 chromosomes in the general population by the Genome Aggregation Database (gnomAD). The available evidence is insufficient to determine the role of this variant in disease conclusively. Therefore, this variant is classified as a Variant of Uncertain Significance.

This study involves interpretation of variants in research participants for the purpose of population health screening. Participant phenotype was not available at the time of variant classification. Additional details can be found in publication PMID: 35346344, PMCID: PMC8962531

Color Diagnostics, LLC DBA Color Health
Classification: Uncertain significance for Cardiomyopathy. Last evaluated: 2024-03-07. Review status: criteria provided, single submitter. Criteria: ACMG Guidelines, 2015. Collection method: clinical testing. Allele origin: germline.
Comment: This missense variant replaces proline with alanine at codon 539 of the PKP2 protein. Computational prediction suggests that this variant may not impact protein structure and function (internally defined REVEL score threshold <= 0.5, PMID: 27666373). To our knowledge, functional studies have not been reported for this variant. This variant has not been reported in individuals affected with cardiovascular disorders in the literature. This variant has been identified in 6/251374 chromosomes in the general population by the Genome Aggregation Database (gnomAD). The available evidence is insufficient to determine the role of this variant in disease conclusively. Therefore, this variant is classified as a Variant of Uncertain Significance.

NM_001005242.3(PKP2):c.1483C>G (p.Pro495Ala)

Gene: PKP2 (plakophilin 2; minus strand). Cytogenetic location: 12p11.21.
Variant type: single nucleotide variant.
Coding change: c.1483C>G on transcript NM_001005242.3 (MANE Select); coding-DNA position 1483, C replaced by G.
Protein change: p.Pro495Ala; replaces proline 495 with alanine.
Molecular consequence: missense variant.
Genome position (GRCh38, 1-based): chr12:32,841,101, G>C on the plus strand (C>G on the coding strand, the complement: PKP2 is on the minus strand). VCF-style: chr12-32841101-G-C. GRCh37 (hg19) VCF-style: chr12-32994035-G-C.
Other names: c.1615C>G, p.Pro539Ala (NM_004572.4); short protein forms P539A, P495A.
Identifiers: ClinVar variation 406542 (VCV000406542.14), dbSNP rs543325231, ClinGen allele CA029697.